The following is an entry in ClinVar:

ClinVar aggregate classification (germline): Uncertain significance (1 of 4 stars; one submission).

Conditions:
Periodic fever-infantile enterocolitis-autoinflammatory syndrome. Also called: Autoinflammation with infantile enterocolitis. Identifiers: Orphanet 436166, MedGen C4015067, MONDO:0014472, OMIM 616050.
Familial cold autoinflammatory syndrome 4 (FCAS4). Identifiers: Orphanet 47045, Orphanet 576349, MedGen C4015276, MONDO:0014498, OMIM 616115.

gnomAD v4.1: 1 of 1,613,832 alleles (0.000062%); highest among the groups gnomAD compares: South Asian, 0.0011%; no homozygotes.

Submission:

Labcorp Genetics (formerly Invitae), Labcorp
Classification: Uncertain significance for Periodic fever-infantile enterocolitis-autoinflammatory syndrome; Familial cold autoinflammatory syndrome 4. Last evaluated: 2025-03-30. Review status: criteria provided, single submitter. Criteria: Invitae Variant Classification Sherloc (09022015). Collection method: clinical testing. Allele origin: germline.
Comment: This sequence change replaces threonine, which is neutral and polar, with isoleucine, which is neutral and non-polar, at codon 922 of the NLRC4 protein (p.Thr922Ile). This variant is present in population databases (rs755498806, gnomAD 0.007%). This variant has not been reported in the literature in individuals affected with NLRC4-related conditions. Invitae Evidence Modeling of protein sequence and biophysical properties (such as structural, functional, and spatial information, amino acid conservation, physicochemical variation, residue mobility, and thermodynamic stability) indicates that this missense variant is not expected to disrupt NLRC4 protein function with a negative predictive value of 80%. In summary, the available evidence is currently insufficient to determine the role of this variant in disease. Therefore, it has been classified as a Variant of Uncertain Significance.

NM_001199138.2(NLRC4):c.2765C>T (p.Thr922Ile)

Gene: NLRC4 (NLR family CARD domain containing 4; minus strand). Cytogenetic location: 2p22.3.
Variant type: single nucleotide variant.
Coding change: c.2765C>T on transcript NM_001199138.2 (MANE Select); coding-DNA position 2765, C replaced by T.
Protein change: p.Thr922Ile; replaces threonine 922 with isoleucine.
Molecular consequence: missense variant.
Genome position (GRCh38, 1-based): chr2:32,235,418, G>A on the plus strand (C>T on the coding strand, the complement: NLRC4 is on the minus strand). VCF-style: chr2-32235418-G-A. GRCh37 (hg19) VCF-style: chr2-32460487-G-A.
Other names: c.2765C>T, p.Thr922Ile (NM_001199139.2, NM_021209.5); c.770C>T, p.Thr257Ile (NM_001302504.2); short protein forms T257I, T922I.
Identifiers: ClinVar variation 4789411 (VCV004789411.1).
Genomic context (GRCh38, chr2:32,235,418, plus strand): 5'-AGGGCCAAATCCAGTTATCTTGGCTCTGTATGTGTGTACCTACCTAAAATTCTAATCTCT[G>A]TATCTGTGAGTCTCCAGTTTTTCAACCCAAGCTTGACGAGTTGTGGGACCTCCTCCAAAT-3'
Protein context (NP_001186067.1, residues 912-932): LGLKNWRLTD[Thr922Ile]EIRILGAFFG